The following is an entry in ClinVar:

NM_004655.4(AXIN2):c.1060-16_1060-12del

Gene: AXIN2 (axin 2; minus strand). Cytogenetic location: 17q24.1.
Variant type: Microsatellite.
Coding change: c.1060-16_1060-12del on transcript NM_004655.4 (MANE Select); 16 bases into the intron before coding-DNA position 1060 through 12 bases into the intron before coding-DNA position 1060, 5 bases deleted (TTTCC; older notation c.1060-16_1060-12delTTTCC).
Molecular consequence: intron variant.
Genome position (GRCh38, 1-based): chr17:65,538,355-65,538,359, GGAAA deleted on the plus strand (TTTCC on the coding strand, the reverse complement: AXIN2 is on the minus strand); deleting any 5 consecutive bases within chr17:65,538,355-65,538,366 gives the same sequence; the c. name uses the placement nearest the transcript's 3' end. VCF-style (leftmost placement, unchanged base first): chr17-65538354-TGGAAA-T. GRCh37 (hg19) VCF-style: chr17-63534472-TGGAAA-T.
Other names: c.1060-16_1060-12del (NM_001363813.1).
Identifiers: ClinVar variation 1598462 (VCV001598462.9), dbSNP rs2144479102, ClinGen allele CA2580613228.

ClinVar aggregate classification (germline): Likely benign. Review status: criteria provided, multiple submitters, no conflicts (2 of 4 stars). 2 submissions from 2 submitters: Likely benign (2). Last evaluated 2024-10-16.

Conditions:
Oligodontia-cancer predisposition syndrome. Also called: TOOTH AGENESIS-COLORECTAL CANCER SYNDROME. Identifiers: Orphanet 300576, MedGen C1837750, MONDO:0012075, OMIM 608615. Disease mechanism: loss of function.

Submissions (2):

Labcorp Genetics (formerly Invitae), Labcorp
Classification: Likely benign for Oligodontia-cancer predisposition syndrome. Last evaluated: 2024-10-16. Review status: criteria provided, single submitter. Criteria: Invitae Variant Classification Sherloc (09022015). Collection method: clinical testing. Allele origin: germline.

Myriad Genetics, Inc.
Classification: Likely benign for Oligodontia-cancer predisposition syndrome. Last evaluated: 2024-07-01. Review status: criteria provided, single submitter. Criteria: Myriad Autosomal Dominant, Autosomal Recessive and X-Linked Classification Criteria (2023). Collection method: clinical testing. Allele origin: unknown.
Comment: This variant is considered likely benign. This variant is intronic and is not expected to impact mRNA splicing.